The following is an entry in ClinVar:

NM_001458.5(FLNC):c.6239G>A (p.Gly2080Asp)

Genes: FLNC-AS1 (FLNC antisense RNA 1; minus strand), FLNC (filamin C; plus strand). Cytogenetic location: 7q32.1.
Variant type: single nucleotide variant.
Coding change: c.6239G>A on transcript NM_001458.5 (MANE Select); coding-DNA position 6239, G replaced by A.
Protein change: p.Gly2080Asp; replaces glycine 2080 with aspartic acid.
Molecular consequence: missense variant.
Genome position (GRCh38, 1-based): chr7:128,853,499, G>A. VCF-style: chr7-128853499-G-A. GRCh37 (hg19) VCF-style: chr7-128493553-G-A.
Other names: c.6140G>A, p.Gly2047Asp (NM_001127487.2); short protein forms G2080D, G2047D.
Identifiers: ClinVar variation 1492427 (VCV001492427.7), dbSNP rs2128939083, ClinGen allele CA369211878.

ClinVar aggregate classification (germline): Uncertain significance. Review status: criteria provided, multiple submitters, no conflicts (2 of 4 stars). 2 submissions from 2 submitters: Uncertain significance (2). Last evaluated 2025-02-06.

Conditions:
Hypertrophic cardiomyopathy 26. Also called: Cardiomyopathy, familial hypertrophic, 26. Identifiers: Orphanet 75249, MedGen C4310749, MONDO:0014883, OMIM 617047.
Myofibrillar myopathy 5. Also called: FILAMINOPATHY, AUTOSOMAL DOMINANT; Filaminopathy (type). Identifiers: Orphanet 171445, MedGen C1836050, MONDO:0012289, OMIM 609524.
Distal myopathy with posterior leg and anterior hand involvement. Also called: WILLIAMS DISTAL MYOPATHY. Identifiers: Orphanet 63273, MedGen C3279722, MONDO:0013550, OMIM 614065.

Submissions (2):

Labcorp Genetics (formerly Invitae), Labcorp
Classification: Uncertain significance for Distal myopathy with posterior leg and anterior hand involvement; Myofibrillar myopathy 5; Hypertrophic cardiomyopathy 26. Last evaluated: 2025-02-06. Review status: criteria provided, single submitter. Criteria: Invitae Variant Classification Sherloc (09022015). Collection method: clinical testing. Allele origin: germline.
Comment: This sequence change replaces glycine, which is neutral and non-polar, with aspartic acid, which is acidic and polar, at codon 2080 of the FLNC protein (p.Gly2080Asp). This variant is not present in population databases (gnomAD no frequency). This variant has not been reported in the literature in individuals affected with FLNC-related conditions. ClinVar contains an entry for this variant (Variation ID: 1492427). Invitae Evidence Modeling of protein sequence and biophysical properties (such as structural, functional, and spatial information, amino acid conservation, physicochemical variation, residue mobility, and thermodynamic stability) has been performed for this missense variant. However, the output from this modeling did not meet the statistical confidence thresholds required to predict the impact of this variant on FLNC protein function. In summary, the available evidence is currently insufficient to determine the role of this variant in disease. Therefore, it has been classified as a Variant of Uncertain Significance.

Victorian Clinical Genetics Services, Murdoch Childrens Research Institute
Classification: Uncertain significance for Hypertrophic cardiomyopathy 26. Last evaluated: 2021-05-06. Review status: criteria provided, single submitter. Criteria: ACMG Guidelines, 2015. Collection method: clinical testing. Allele origin: germline. Inheritance: Autosomal dominant inheritance. Affected: yes.
Comment: Based on the classification scheme VCGS_Germline_v1.3.4, this variant is classified as VUS - 3A. Following criteria are met: 0103 - Loss of function and gain of function are known mechanisms of disease in this gene and are associated with FLNC-related disease. Loss of function variants have been reported to cause myofibrillar myopathy, 5 (MIM#609524), distal myopathy, 4 (MIM#614065), familial hypertrophic cardiomyopathy, 26 (MIM#617047) and dilated cardiomyopathy. Gain of function variants have also been reported to cause distal myopathy, 4 (MIM#614065) (PMID: 28008423, PMID: 23109048). (I) 0107 - This gene is associated with autosomal dominant disease. (I) 0200 - Variant is predicted to result in a missense amino acid change from glycine to aspartic acid. (I) 0251 - This variant is heterozygous. (I) 0301 - Variant is absent from gnomAD (both v2 and v3). (SP) 0501 - Missense variant consistently predicted to be damaging by multiple in silico tools or highly conserved with a major amino acid change. (SP) 0600 - Variant is located in the annotated filamin-type immunoglobulin domain (NCBI conserved domain). (I) 0710 - Another missense variant comparable to the one identified in this case has inconclusive previous evidence for pathogenicity. The p.Gly2080Arg variant has been reported in one family with cardiomyopathy and has been classified as a VUS based on ACMG guidelines (PMID: 32037394). (I) 0807 - This variant has no previous evidence of pathogenicity. (I) 0905 - No published segregation evidence has been identified for this variant. (I) 1007 - No published functional evidence has been identified for this variant. (I) 1208 - Inheritance information for this variant is not currently available in this individual. (I) Legend: (SP) - Supporting pathogenic, (I) - Information, (SB) - Supporting benign

Literature cited by the submitters: PubMed 23109048 (cited by Victorian Clinical Genetics Services, Murdoch Childrens Research Institute); PubMed 28008423 (cited by Victorian Clinical Genetics Services, Murdoch Childrens Research Institute); PubMed 32037394 (cited by Victorian Clinical Genetics Services, Murdoch Childrens Research Institute).